The following is an entry in ClinVar:

NM_001130987.2(DYSF):c.5830_5843del (p.Arg1944fs)

Gene: DYSF (dysferlin; plus strand). Cytogenetic location: 2p13.2.
Variant type: Deletion.
Coding change: c.5830_5843del on transcript NM_001130987.2 (MANE Select); coding-DNA positions 5830 to 5843, 14 bases deleted (CGAGTGGTGTTCCA).
Protein change: p.Arg1944fs; shifts the reading frame from arginine 1944.
Molecular consequence: frameshift variant.
Genome position (GRCh38, 1-based): chr2:71,674,242-71,674,255, CGAGTGGTGTTCCA deleted; deleting any 14 consecutive bases within chr2:71,674,240-71,674,255 gives the same sequence; the c. name uses the placement nearest the transcript's 3' end. VCF-style (leftmost placement, unchanged base first): chr2-71674239-GCACGAGTGGTGTTC-G. GRCh37 (hg19) VCF-style: chr2-71901369-GCACGAGTGGTGTTC-G.
Other names: c.5716_5729del, p.Arg1906fs (NM_001130455.2); c.5671_5684del, p.Arg1891fs (NM_001130976.2); c.5734_5747del, p.Arg1912fs (NM_001130977.2); c.5776_5789del, p.Arg1926fs (NM_001130978.2); c.5806_5819del, p.Arg1936fs (NM_001130979.2); c.5764_5777del, p.Arg1922fs (NM_001130980.2); c.5827_5840del, p.Arg1943fs (NM_001130981.2); c.5809_5822del, p.Arg1937fs (NM_001130982.2); and 5 more; short protein forms R1912fs, R1926fs, R1937fs, R1943fs, R1936fs, R1944fs, R1906fs, R1922fs.
Identifiers: ClinVar variation 2166101 (VCV002166101.6), dbSNP rs2546606310, ClinGen allele CA2580067860.
Genomic context (GRCh38, chr2:71,674,239, plus strand): 5'-GTTCCTCTTCCGGGTCAGGATGCCTTCTGGAGGCTGGACAAGACTGAGAGCAAAATCCCA[GCACGAGTGGTGTTC>G]CAGATCTGGGACAATGACAAGTTCTCCTTTGATGATTTTCTGGGTAAGCGCTATTGCTAG-3'

ClinVar aggregate classification (germline): Pathogenic/Likely pathogenic. Review status: criteria provided, multiple submitters, no conflicts (2 of 4 stars). 3 submissions from 3 submitters: Pathogenic (2); Likely pathogenic (1). Last evaluated 2024-10-29.

Conditions:
Neuromuscular disease caused by qualitative or quantitative defects of dysferlin. Also called: Qualitative or quantitative defects of dysferlin; Dysferlinopathy. Identifiers: Orphanet 207073, MedGen C2931687, MONDO:0016145.
Miyoshi muscular dystrophy 1 (MMD1). Identifiers: Orphanet 45448, MedGen C4551973, MONDO:0024545, OMIM 254130.
Autosomal recessive limb-girdle muscular dystrophy. Identifiers: Orphanet 102015, MedGen C2931907, MONDO:0015152.

Submissions (3):

Myriad Genetics, Inc.
Classification: Pathogenic for Autosomal recessive limb-girdle muscular dystrophy. Last evaluated: 2024-10-29. Review status: criteria provided, single submitter. Criteria: Myriad Autosomal Dominant, Autosomal Recessive and X-Linked Classification Criteria (2023). Collection method: clinical testing. Allele origin: unknown.
Comment: NM_003494.3(DYSF):c.5713_5726del14(R1905Dfs*5) is expected to be pathogenic in the context of dysferlinopathy. This variant is predicted to lead to an abnormal or absent protein product due to the creation of a premature termination codon in DYSF, a gene where loss-of-function variants are known to be pathogenic. Please note: this variant was assessed in the context of healthy population screening.

Baylor Genetics
Classification: Likely pathogenic for Miyoshi muscular dystrophy 1. Last evaluated: 2023-11-11. Review status: criteria provided, single submitter. Criteria: ACMG Guidelines, 2015. Collection method: clinical testing. Allele origin: unknown.

Labcorp Genetics (formerly Invitae), Labcorp
Classification: Pathogenic for Neuromuscular disease caused by qualitative or quantitative defects of dysferlin. Last evaluated: 2022-03-31. Review status: criteria provided, single submitter. Criteria: Invitae Variant Classification Sherloc (09022015). Collection method: clinical testing. Allele origin: germline.
Comment: For these reasons, this variant has been classified as Pathogenic. Algorithms developed to predict the effect of sequence changes on RNA splicing suggest that this variant may disrupt the consensus splice site. This variant has not been reported in the literature in individuals affected with DYSF-related conditions. This variant is not present in population databases (gnomAD no frequency). This sequence change creates a premature translational stop signal (p.Arg1905Aspfs*5) in the DYSF gene. It is expected to result in an absent or disrupted protein product. Loss-of-function variants in DYSF are known to be pathogenic (PMID: 17698709, 20301480).

Literature cited by the submitters: PubMed 17698709 (cited by Labcorp Genetics (formerly Invitae), Labcorp); PubMed 20301480 (cited by Labcorp Genetics (formerly Invitae), Labcorp).